The following is an entry in ClinVar:

ClinVar aggregate classification (germline): Likely benign. Review status: criteria provided, single submitter (1 of 4 stars). 2 submissions from 2 submitters: Likely benign (1). 1 of the submissions does not count toward it. Last evaluated 2021-11-05.

Conditions:
Polycystic kidney disease. Also called: Polycystic kidney dysplasia; Kidney, Polycystic. Identifiers: MedGen C0022680, MeSH D007690, MONDO:0020642, HP:0000113.
Polycystic kidney disease, adult type (PKD1). Also called: POLYCYSTIC KIDNEY DISEASE, ADULT, TYPE I; Polycystic Kidney Disease 1, Autosomal Dominant; Polycystic kidney disease 1; Polycystic kidney disease 1, severe; Polycystic Kidney, Autosomal Dominant; POLYCYSTIC KIDNEY DISEASE 1 WITH OR WITHOUT POLYCYSTIC LIVER DISEASE. Identifiers: MedGen C3149841, MONDO:0008263, OMIM 173900.

Allele frequency attached by ClinVar (database versions not stated): ExAC 0.00003; gnomAD exomes 0.00003 and 0.00004; gnomAD 0.00005; TOPMed 0.00006.
gnomAD v4.1: 59 of 1,610,702 alleles (0.0037%); highest among the groups gnomAD compares: East Asian, 0.011%; no homozygotes.

Submissions (2):

Fulgent Genetics
Classification: Likely benign for Polycystic kidney disease, adult type. Last evaluated: 2021-11-05. Review status: criteria provided, single submitter. Criteria: ACMG Guidelines, 2015. Collection method: clinical testing. Allele origin: unknown.

Department of Pathology and Laboratory Medicine, Sinai Health System
Classification: Likely benign for Polycystic Kidney disease. Review status: no assertion criteria provided. Collection method: clinical testing. Allele origin: unknown. Affected: yes. Study: The Canadian Open Genetics Repository (COGR). Not counted in ClinVar's aggregate classification.
Comment: The PKD1 p.Thr1524= variant was not identified in the literature nor was it identified in ClinVar, LOVD 3.0, ADPKD Mutation Database or PKD1-LOVD databases. The variant was identified in dbSNP (rs759043048) as â€šÃ„ÃºNAâ€šÃ„Ã¹. The variant was identified in control databases in 8 of 244,424 chromosomes at a frequency of 0.00003 (Genome Aggregation Database Feb 27, 2017). The variant was observed in the following populations: European in 3 of 110378 chromosomes (freq: 0.00003), East Asian in 2 of 17,204 chromosomes (freq: 0.0001), and South Asian in 3 of 30,766 chromosomes (freq: 0.0001); it was not observed in the African, Other, Latino, Ashkenazi Jewish or Finnish populations. The p.Thr152= variant is not expected to have clinical significance because it does not result in a change of amino acid and is not located in a known consensus splice site. The variant occurs at a non-highly conserved nucleotide outside of the splicing consensus sequence and in silico or computational prediction software programs (SpliceSiteFinder, MaxEntScan, NNSPLICE, GeneSplicer) do not predict a difference in splicing. In summary, based on the above information, the clinical significance of this variant cannot be determined with certainty at this time although we would lean towards a more benign role for this variant. This variant is classified as likely benign.

NM_001009944.3(PKD1):c.4572C>T (p.Thr1524=)

Gene: PKD1 (polycystin 1, transient receptor potential channel interacting; minus strand). Cytogenetic location: 16p13.3.
Variant type: single nucleotide variant.
Coding change: c.4572C>T on transcript NM_001009944.3 (MANE Select); coding-DNA position 4572, C replaced by T.
Protein change: p.Thr1524=; no amino-acid change (threonine 1524 retained).
Molecular consequence: synonymous variant.
Genome position (GRCh38, 1-based): chr16:2,110,595, G>A on the plus strand (C>T on the coding strand, the complement: PKD1 is on the minus strand). VCF-style: chr16-2110595-G-A. GRCh37 (hg19) VCF-style: chr16-2160596-G-A.
Other names: c.4572C>T, p.Thr1524= (NM_000296.4).
Identifiers: ClinVar variation 997343 (VCV000997343.2), dbSNP rs759043048, ClinGen allele CA7832330.